The following is an entry in ClinVar:

NM_001365951.3(KIF1B):c.1434+5G>A

Gene: KIF1B (kinesin family member 1B; plus strand). Cytogenetic location: 1p36.22.
Variant type: single nucleotide variant.
Coding change: c.1434+5G>A on transcript NM_001365951.3 (MANE Select); 5 bases into the intron after coding-DNA position 1434, G replaced by A.
Molecular consequence: intron variant.
Genome position (GRCh38, 1-based): chr1:10,282,538, G>A. VCF-style: chr1-10282538-G-A. GRCh37 (hg19) VCF-style: chr1-10342596-G-A.
Other names: c.1296+5G>A (NM_183416.4, NM_015074.3, NM_001365953.1); c.1434+5G>A (NM_001365952.1).
Identifiers: ClinVar variation 424887 (VCV000424887.45), dbSNP rs1064797106, ClinGen allele CA16621557.

ClinVar aggregate classification (germline): Uncertain significance. Review status: criteria provided, multiple submitters, no conflicts (2 of 4 stars). 2 submissions from 2 submitters: Uncertain significance (2). Last evaluated 2025-04-11.

Allele frequency attached by ClinVar (database versions not stated): gnomAD exomes below 0.00001; TOPMed below 0.00001.
gnomAD v4.1: 1 of 1,608,538 alleles (0.000062%); highest among the groups gnomAD compares: Non-Finnish European, 0.000085%; no homozygotes.

Submissions (2):

Ambry Genetics
Classification: Uncertain significance. Last evaluated: 2025-04-11. Review status: criteria provided, single submitter. Criteria: Ambry Variant Classification Scheme 2023. Collection method: clinical testing. Allele origin: germline.
Comment: The c.1296+5G>A intronic variant results from a G to A substitution 5 nucleotides after coding exon 12 in the KIF1B gene. This nucleotide position is highly conserved in available vertebrate species. In silico splice site analysis for this alteration is inconclusive. The evidence for this gene-disease relationship is limited; therefore, the clinical significance of this alteration is unclear.

CeGaT Center for Human Genetics Tuebingen
Classification: Uncertain significance. Last evaluated: 2016-11-01. Review status: criteria provided, single submitter. Criteria: CeGaT Center For Human Genetics Tuebingen Variant Classification Criteria Version 2. Collection method: clinical testing. Allele origin: germline. Affected: yes. Observed: 1 variant allele.